The following is an entry in ClinVar:

NM_001080449.3(DNA2):c.1584T>G (p.Phe528Leu)

Gene: DNA2 (DNA replication helicase/nuclease 2; minus strand). Cytogenetic location: 10q21.3.
Variant type: single nucleotide variant.
Coding change: c.1584T>G on transcript NM_001080449.3 (MANE Select); coding-DNA position 1584, T replaced by G.
Protein change: p.Phe528Leu; replaces phenylalanine 528 with leucine.
Molecular consequence: missense variant. On other transcripts: non-coding transcript variant (1).
Genome position (GRCh38, 1-based): chr10:68,437,073, A>C on the plus strand (T>G on the coding strand, the complement: DNA2 is on the minus strand). VCF-style: chr10-68437073-A-C. GRCh37 (hg19) VCF-style: chr10-70196830-A-C.
Other names: short protein forms F528L.
Identifiers: ClinVar variation 2983539 (VCV002983539.3), dbSNP rs753596869, ClinGen allele CA5525038.

ClinVar aggregate classification (germline): Uncertain significance (1 of 4 stars; one submission).

Allele frequency attached by ClinVar (database versions not stated): TOPMed 0.00001; ExAC 0.00001.
gnomAD v4.1: 17 of 1,613,990 alleles (0.0011%); highest among the groups gnomAD compares: Non-Finnish European, 0.0014%; no homozygotes.

Submission:

Labcorp Genetics (formerly Invitae), Labcorp
Classification: Uncertain significance. Last evaluated: 2025-10-19. Review status: criteria provided, single submitter. Criteria: Invitae Variant Classification Sherloc (09022015). Collection method: clinical testing. Allele origin: germline.
Comment: This sequence change replaces phenylalanine, which is neutral and non-polar, with leucine, which is neutral and non-polar, at codon 528 of the DNA2 protein (p.Phe528Leu). This variant is present in population databases (rs753596869, gnomAD 0.002%). This variant has not been reported in the literature in individuals affected with DNA2-related conditions. ClinVar contains an entry for this variant (Variation ID: 2983539). Invitae Evidence Modeling of protein sequence and biophysical properties (such as structural, functional, and spatial information, amino acid conservation, physicochemical variation, residue mobility, and thermodynamic stability) indicates that this missense variant is not expected to disrupt DNA2 protein function with a negative predictive value of 80%. In summary, the available evidence is currently insufficient to determine the role of this variant in disease. Therefore, it has been classified as a Variant of Uncertain Significance.